The following is an entry in ClinVar:

NM_001374353.1(GLI2):c.3015C>T (p.Gly1005=)

Gene: GLI2 (GLI family zinc finger 2; plus strand). Cytogenetic location: 2q14.2.
Variant type: single nucleotide variant.
Coding change: c.3015C>T on transcript NM_001374353.1 (MANE Select); coding-DNA position 3015, C replaced by T.
Protein change: p.Gly1005=; no amino-acid change (glycine 1005 retained).
Molecular consequence: synonymous variant.
Genome position (GRCh38, 1-based): chr2:120,988,980, C>T. VCF-style: chr2-120988980-C-T. GRCh37 (hg19) VCF-style: chr2-121746556-C-T.
Other names: c.3066C>T (NM_005270.4); c.3066C>T, p.Gly1022= (NM_001371271.1, NM_005270.5); c.2640C>T, p.Gly880= (NM_001374354.1).
Identifiers: ClinVar variation 2934803 (VCV002934803.5), dbSNP rs1187602632, ClinGen allele CA428749669.

ClinVar aggregate classification (germline): Likely benign. Review status: criteria provided, single submitter (1 of 4 stars). 2 submissions from 2 submitters: Likely benign (1). 1 of the submissions does not count toward it. Last evaluated 2025-05-05.

Conditions:
GLI2-related disorder. Also called: GLI2-related condition; GLI2-related disorders.
Holoprosencephaly 9 (HPE9). Also called: PITUITARY ANOMALIES WITH HOLOPROSENCEPHALY-LIKE FEATURES; HOLOPROSENCEPHALY WITH MICROPHTHALMIA AND FIRST BRANCHIAL ARCH ANOMALIES. Identifiers: Orphanet 2162, MedGen C1835819, MONDO:0012563, OMIM 610829.
Postaxial polydactyly-anterior pituitary anomalies-facial dysmorphism syndrome. Also called: Culler-Jones syndrome. Identifiers: Orphanet 420584, MedGen C4014479, MONDO:0014369, OMIM 615849.

Allele frequency attached by ClinVar (database versions not stated): gnomAD exomes below 0.00001.
gnomAD v4.1: 5 of 1,569,270 alleles (0.00032%); highest among the groups gnomAD compares: African/African-American, 0.0013%; no homozygotes.

Submissions (2):

Labcorp Genetics (formerly Invitae), Labcorp
Classification: Likely benign for Postaxial polydactyly-anterior pituitary anomalies-facial dysmorphism syndrome; Holoprosencephaly 9. Last evaluated: 2025-05-05. Review status: criteria provided, single submitter. Criteria: Invitae Variant Classification Sherloc (09022015). Collection method: clinical testing. Allele origin: germline.

PreventionGenetics, part of Exact Sciences
Classification: Likely benign for GLI2-related condition. Last evaluated: 2023-02-03. Review status: no assertion criteria provided. Collection method: clinical testing. Allele origin: germline. Not counted in ClinVar's aggregate classification.
Comment: This variant is classified as likely benign based on ACMG/AMP sequence variant interpretation guidelines (Richards et al. 2015 PMID: 25741868, with internal and published modifications).